The following is an entry in ClinVar:

ClinVar aggregate classification (germline): Conflicting classifications of pathogenicity. Review status: criteria provided, conflicting classifications (1 of 4 stars). 3 submissions from 3 submitters: Uncertain significance (1); Likely benign (1). 1 of the submissions does not count toward it. Last evaluated 2025-11-01.

Conditions:
EP300-related disorder. Also called: EP300-related disorders; EP300-related condition.
Rubinstein-Taybi syndrome due to EP300 haploinsufficiency. Also called: RUBINSTEIN-TAYBI SYNDROME 2; EP300-Related Rubinstein-Taybi Syndrome. Identifiers: Orphanet 353284, Orphanet 783, MedGen C3150941, MONDO:0013364, OMIM 613684.

Submissions (3):

CeGaT Center for Human Genetics Tuebingen
Classification: Likely benign. Last evaluated: 2025-11-01. Review status: criteria provided, single submitter. Criteria: CeGaT Center For Human Genetics Tuebingen Variant Classification Criteria Version 2. Collection method: clinical testing. Allele origin: germline. Affected: yes. Observed: 1 variant allele.
Comment: EP300: PM4, BS2

Labcorp Genetics (formerly Invitae), Labcorp
Classification: Uncertain significance for Rubinstein-Taybi syndrome due to EP300 haploinsufficiency. Last evaluated: 2025-09-03. Review status: criteria provided, single submitter. Criteria: Invitae Variant Classification Sherloc (09022015). Collection method: clinical testing. Allele origin: germline.
Comment: This variant, c.6312_6332del, results in the deletion of 7 amino acid(s) of the EP300 protein (p.Met2106_Gly2112del), but otherwise preserves the integrity of the reading frame. This variant is present in population databases (rs755425119, gnomAD 0.01%). This variant has not been reported in the literature in individuals affected with EP300-related conditions. ClinVar contains an entry for this variant (Variation ID: 1407990). Experimental studies and prediction algorithms are not available or were not evaluated, and the functional significance of this variant is currently unknown. In summary, the available evidence is currently insufficient to determine the role of this variant in disease. Therefore, it has been classified as a Variant of Uncertain Significance.

PreventionGenetics, part of Exact Sciences
Classification: Likely benign for EP300-related condition. Last evaluated: 2023-10-18. Review status: no assertion criteria provided. Collection method: clinical testing. Allele origin: germline. Not counted in ClinVar's aggregate classification.
Comment: This variant is classified as likely benign based on ACMG/AMP sequence variant interpretation guidelines (Richards et al. 2015 PMID: 25741868, with internal and published modifications).

NM_001429.4(EP300):c.6312_6332del (p.Met2106_Gly2112del)

Gene: EP300 (EP300 lysine acetyltransferase; plus strand). Cytogenetic location: 22q13.2.
Variant type: Deletion.
Coding change: c.6312_6332del on transcript NM_001429.4 (MANE Select); coding-DNA positions 6312 to 6332, 21 bases deleted (TGGCATGCCCCAGGGGCAGCC).
Protein change: p.Met2106_Gly2112del.
Molecular consequence: inframe deletion.
Genome position (GRCh38, 1-based): chr22:41,178,023-41,178,043, TGGCATGCCCCAGGGGCAGCC deleted; deleting any 21 consecutive bases within chr22:41,178,015-41,178,043 gives the same sequence; the c. name uses the placement nearest the transcript's 3' end. VCF-style (leftmost placement, unchanged base first): chr22-41178014-TGGGCAGCCTGGCATGCCCCAG-T. GRCh37 (hg19) VCF-style: chr22-41574018-TGGGCAGCCTGGCATGCCCCAG-T.
Other names: c.6234_6254del, p.Met2080_Gly2086del (NM_001362843.2); c.6312_6332del21 (NM_001429.3).
Identifiers: ClinVar variation 1407990 (VCV001407990.15), dbSNP rs755425119, ClinGen allele CA10253818.